The following is an entry in ClinVar:

NM_003227.4(TFR2):c.283G>A (p.Gly95Arg)

Gene: TFR2 (transferrin receptor 2; minus strand). Cytogenetic location: 7q22.1.
Variant type: single nucleotide variant.
Coding change: c.283G>A on transcript NM_003227.4 (MANE Select); coding-DNA position 283, G replaced by A.
Protein change: p.Gly95Arg; replaces glycine 95 with arginine.
Molecular consequence: missense variant.
Genome position (GRCh38, 1-based): chr7:100,640,979, C>T on the plus strand (G>A on the coding strand, the complement: TFR2 is on the minus strand). VCF-style: chr7-100640979-C-T. GRCh37 (hg19) VCF-style: chr7-100238602-C-T.
Other names: short protein forms G95R.
Identifiers: ClinVar variation 3713962 (VCV003713962.2).
Genomic context (GRCh38, chr7:100,640,979, plus strand): 5'-CCCAGAAATCTCCCCCAGCCCAAGCCCTTCACTTCTGGGGAGGGGGACGGCTCTCACCCC[C>T]AGTGAAGATCAGCAGGGCCGTCAGGACCAGGTAGGGGGCAGCCCTCCGTCCTGCTGCCGC-3'
Protein context (NP_003218.2, residues 85-105): LVLTALLIFT[Gly95Arg]AFLLGYVAFR

ClinVar aggregate classification (germline): Uncertain significance (1 of 4 stars; one submission).

Conditions:
Hereditary hemochromatosis (HFE). Identifiers: MedGen C0392514, MONDO:0006507. Disease mechanism: loss of function.

gnomAD v4.1: 4 of 1,609,990 alleles (0.00025%); highest among the groups gnomAD compares: Admixed American, 0.0033%; no homozygotes.

Submission:

Labcorp Genetics (formerly Invitae), Labcorp
Classification: Uncertain significance for Hereditary hemochromatosis. Last evaluated: 2025-02-07. Review status: criteria provided, single submitter. Criteria: Invitae Variant Classification Sherloc (09022015). Collection method: clinical testing. Allele origin: germline.
Comment: This sequence change replaces glycine, which is neutral and non-polar, with arginine, which is basic and polar, at codon 95 of the TFR2 protein (p.Gly95Arg). This variant is present in population databases (rs746436648, gnomAD 0.003%). This variant has not been reported in the literature in individuals affected with TFR2-related conditions. Invitae Evidence Modeling of protein sequence and biophysical properties (such as structural, functional, and spatial information, amino acid conservation, physicochemical variation, residue mobility, and thermodynamic stability) indicates that this missense variant is not expected to disrupt TFR2 protein function with a negative predictive value of 95%. In summary, the available evidence is currently insufficient to determine the role of this variant in disease. Therefore, it has been classified as a Variant of Uncertain Significance.